The following is an entry in ClinVar:

NM_144687.4(NLRP12):c.2948C>A (p.Thr983Lys)

Gene: NLRP12 (NLR family pyrin domain containing 12; minus strand). Cytogenetic location: 19q13.42.
Variant type: single nucleotide variant.
Coding change: c.2948C>A on transcript NM_144687.4 (MANE Select); coding-DNA position 2948, C replaced by A.
Protein change: p.Thr983Lys; replaces threonine 983 with lysine.
Molecular consequence: missense variant.
Genome position (GRCh38, 1-based): chr19:53,796,009, G>T on the plus strand (C>A on the coding strand, the complement: NLRP12 is on the minus strand). VCF-style: chr19-53796009-G-T. GRCh37 (hg19) VCF-style: chr19-54299263-G-T.
Other names: c.2951C>A, p.Thr984Lys (NM_001277126.2); c.2777C>A, p.Thr926Lys (NM_001277129.1); short protein forms T926K, T983K, T984K.
Identifiers: ClinVar variation 2705767 (VCV002705767.3), dbSNP rs2514215180, ClinGen allele CA407407638.

ClinVar aggregate classification (germline): Uncertain significance (1 of 4 stars; one submission).

Conditions:
Familial cold autoinflammatory syndrome 2 (FCAS2). Identifiers: Orphanet 247868, MedGen C2673198, MONDO:0012724, OMIM 611762.

Submission:

Labcorp Genetics (formerly Invitae), Labcorp
Classification: Uncertain significance for Familial cold autoinflammatory syndrome 2. Last evaluated: 2024-01-04. Review status: criteria provided, single submitter. Criteria: Invitae Variant Classification Sherloc (09022015). Collection method: clinical testing. Allele origin: germline.
Comment: This sequence change replaces threonine, which is neutral and polar, with lysine, which is basic and polar, at codon 983 of the NLRP12 protein (p.Thr983Lys). This variant is not present in population databases (gnomAD no frequency). This variant has not been reported in the literature in individuals affected with NLRP12-related conditions. Experimental studies and prediction algorithms are not available or were not evaluated, and the functional significance of this variant is currently unknown. In summary, the available evidence is currently insufficient to determine the role of this variant in disease. Therefore, it has been classified as a Variant of Uncertain Significance.